The following is an entry in ClinVar:

NM_152683.4(PRIMPOL):c.872G>A (p.Arg291Gln)

Gene: PRIMPOL (primase and DNA directed polymerase; plus strand). Cytogenetic location: 4q35.1.
Variant type: single nucleotide variant.
Coding change: c.872G>A on transcript NM_152683.4 (MANE Select); coding-DNA position 872, G replaced by A.
Protein change: p.Arg291Gln; replaces arginine 291 with glutamine.
Molecular consequence: missense variant. On other transcripts: non-coding transcript variant (2), intron variant (1).
Genome position (GRCh38, 1-based): chr4:184,678,259, G>A. VCF-style: chr4-184678259-G-A. GRCh37 (hg19) VCF-style: chr4-185599413-G-A.
Other names: c.485G>A, p.Arg162Gln (NM_001300767.2); c.872G>A, p.Arg291Gln (NM_001300768.2, NM_001345891.2, NM_001345892.2 and 3 more transcripts); c.176G>A, p.Arg59Gln (NM_001345894.2, NM_001345897.2, NM_001345898.2 and 1 more transcripts); c.347G>A, p.Arg116Gln (NM_001345900.2); c.844+5799G>A (NM_001345899.2); c.872G>A (NM_152683.3); short protein forms R116Q, R59Q, R291Q, R162Q.
Identifiers: ClinVar variation 2408313 (VCV002408313.4), dbSNP rs144996773, ClinGen allele CA3154425.

ClinVar aggregate classification (germline): Uncertain significance. Review status: criteria provided, multiple submitters, no conflicts (2 of 4 stars). 2 submissions from 2 submitters: Uncertain significance (2). Last evaluated 2025-08-05.

Conditions:
PRIMPOL-related disorder. Also called: PRIMPOL-related condition.

Allele frequency attached by ClinVar (database versions not stated): gnomAD 0.00011; 1000 Genomes Project 30x 0.00016; 1000 Genomes Project 0.00020; ExAC 0.00021; ESP Exome Variant Server 0.00031.
gnomAD v4.1: 184 of 1,586,366 alleles (0.012%); highest among the groups gnomAD compares: Middle Eastern, 0.017%; no homozygotes.

Submissions (2):

PreventionGenetics, part of Exact Sciences
Classification: Uncertain significance for PRIMPOL-related condition. Last evaluated: 2025-08-05. Review status: criteria provided, single submitter. Criteria: ACMG Guidelines, 2015. Collection method: clinical testing. Allele origin: germline.
Comment: The PRIMPOL c.872G>A variant is predicted to result in the amino acid substitution p.Arg291Gln. To our knowledge, this variant has not been reported in the literature. This variant is present in 0.021% of alleles in individuals of Latino descent in gnomAD, which may be too common to be an unreported cause of disease. Although we suspect that this variant may be benign, at this time, the clinical significance of this variant is uncertain due to the absence of conclusive functional and genetic evidence.

Ambry Genetics
Classification: Uncertain significance. Last evaluated: 2025-02-09. Review status: criteria provided, single submitter. Criteria: Ambry Variant Classification Scheme 2023. Collection method: clinical testing. Allele origin: germline.